The following is an entry in ClinVar:

NC_000011.10:g.47347483T>G

Gene: MYBPC3 (myosin binding protein C3; minus strand). Cytogenetic location: 11p11.2.
Variant type: single nucleotide variant.
Genome position: GRCh38 VCF-style: chr11-47347483-T-G. GRCh37 (hg19) VCF-style: chr11-47369034-T-G.
Other names: c.852-4A>C (NM_000256.3, LRG_386t1).
Identifiers: ClinVar variation 525128 (VCV000525128.10), dbSNP rs1235513938, ClinGen allele CA658797644.

ClinVar aggregate classification (germline): Likely benign. Review status: criteria provided, multiple submitters, no conflicts (2 of 4 stars). 2 submissions from 2 submitters: Likely benign (2). Last evaluated 2023-04-03.

Conditions:
Hypertrophic cardiomyopathy. Also called: HYPERTROPHIC MYOCARDIOPATHY. Identifiers: Orphanet 217569, MedGen C0007194, MeSH D002312, MONDO:0005045, HP:0001639.

Submissions (2):

All of Us Research Program, National Institutes of Health
Classification: Likely benign for Hypertrophic cardiomyopathy. Last evaluated: 2023-04-03. Review status: criteria provided, single submitter. Criteria: ACMG Guidelines, 2015. Collection method: clinical testing. Allele origin: germline. Inheritance: Autosomal dominant inheritance. Observed: 1 variant allele, 1 heterozygote.
Comment: This study involves interpretation of variants in research participants for the purpose of population health screening. Participant phenotype was not available at the time of variant classification. Additional details can be found in publication PMID: 35346344, PMCID: PMC8962531

Labcorp Genetics (formerly Invitae), Labcorp
Classification: Likely benign for Hypertrophic cardiomyopathy. Last evaluated: 2018-01-16. Review status: criteria provided, single submitter. Criteria: Invitae Variant Classification Sherloc (09022015). Collection method: clinical testing. Allele origin: germline.